The following is an entry in ClinVar:

NM_001128.6(AP1G1):c.633T>C (p.His211=)

Gene: AP1G1 (adaptor related protein complex 1 subunit gamma 1; minus strand). Cytogenetic location: 16q22.2.
Variant type: single nucleotide variant.
Coding change: c.633T>C on transcript NM_001128.6 (MANE Select); coding-DNA position 633, T replaced by C.
Protein change: p.His211=; no amino-acid change (histidine 211 retained).
Molecular consequence: synonymous variant.
Genome position (GRCh38, 1-based): chr16:71,769,632, A>G on the plus strand (T>C on the coding strand, the complement: AP1G1 is on the minus strand). VCF-style: chr16-71769632-A-G. GRCh37 (hg19) VCF-style: chr16-71803535-A-G.
Other names: c.633T>C, p.His211= (NM_001030007.2).
Identifiers: ClinVar variation 4681344 (VCV004681344.5).
Genomic context (GRCh38, chr16:71,769,632, plus strand): 5'-GAAAATCATTTTTCAATCAAGAAAGGCTTAGGCATACAGAATGGCACCTACCTTTCTGAA[A>G]TGCGCAAGCATGTCTGGGCTTCGCTCACACATTTCTGTGAGGAGGACTACAGATGTGTGG-3'
Protein context (NP_001119.3, residues 201-221): MCERSPDMLA[His211=]FRKLVPQLVR

ClinVar aggregate classification (germline): Likely benign (1 of 4 stars; one submission).

gnomAD v4.1: 280 of 1,613,352 alleles (0.017%); highest among the groups gnomAD compares: South Asian, 0.23%; 5 homozygotes.

Submission:

CeGaT Center for Human Genetics Tuebingen
Classification: Likely benign. Last evaluated: 2025-12-01. Review status: criteria provided, single submitter. Criteria: CeGaT Center For Human Genetics Tuebingen Variant Classification Criteria Version 2. Collection method: clinical testing. Allele origin: germline. Affected: yes. Observed: 1 variant allele.
Comment: AP1G1: BP4